The following is an entry in ClinVar:

ClinVar aggregate classification (germline): Uncertain significance (1 of 4 stars; one submission).

Conditions:
Emery-Dreifuss muscular dystrophy 4, autosomal dominant (EDMD4). Also called: EMERY-DREIFUSS MUSCULAR DYSTROPHY 4 WITH VARIABLE FEATURES. Identifiers: Orphanet 261, MedGen C2751807, MONDO:0013071, OMIM 612998.
Autosomal recessive ataxia, Beauce type. Also called: Spinocerebellar ataxia, autosomal recessive 8; ATAXIA, RECESSIVE, OF BEAUCE; SYNE1 Deficiency; SYNE1-Related Autosomal Recessive Cerebellar Ataxia. Identifiers: Orphanet 88644, MedGen C1853116, MONDO:0012549, OMIM 610743.

Allele frequency attached by ClinVar (database versions not stated): gnomAD exomes below 0.00001 and 0.00001; gnomAD 0.00001.
gnomAD v4.1: 5 of 1,614,006 alleles (0.00031%); highest among the groups gnomAD compares: East Asian, 0.011%; no homozygotes.

Submission:

Labcorp Genetics (formerly Invitae), Labcorp
Classification: Uncertain significance for Emery-Dreifuss muscular dystrophy 4, autosomal dominant; Autosomal recessive ataxia, Beauce type. Last evaluated: 2018-06-21. Review status: criteria provided, single submitter. Criteria: Invitae Variant Classification Sherloc (09022015). Collection method: clinical testing. Allele origin: germline.
Comment: This sequence change replaces glutamic acid with alanine at codon 5463 of the SYNE1 protein (p.Glu5463Ala). The glutamic acid residue is highly conserved and there is a moderate physicochemical difference between glutamic acid and alanine. In summary, the available evidence is currently insufficient to determine the role of this variant in disease. Therefore, it has been classified as a Variant of Uncertain Significance. Algorithms developed to predict the effect of missense changes on protein structure and function (SIFT, PolyPhen-2, Align-GVGD) all suggest that this variant is likely to be disruptive, but these predictions have not been confirmed by published functional studies and their clinical significance is uncertain. This variant has been observed in combination with another SYNE1 variant in an individual affected with neuromuscular disease (PMID: 27066551). This variant is not present in population databases (ExAC no frequency).

Literature cited by the submitters: PubMed 27066551.

NM_182961.4(SYNE1):c.16601A>C (p.Glu5534Ala)

Gene: SYNE1 (spectrin repeat containing nuclear envelope protein 1; minus strand). Cytogenetic location: 6q25.2.
Variant type: single nucleotide variant.
Coding change: c.16601A>C on transcript NM_182961.4 (MANE Select); coding-DNA position 16601, A replaced by C.
Protein change: p.Glu5534Ala; replaces glutamic acid 5534 with alanine.
Molecular consequence: missense variant.
Genome position (GRCh38, 1-based): chr6:152,316,958, T>G on the plus strand (A>C on the coding strand, the complement: SYNE1 is on the minus strand). VCF-style: chr6-152316958-T-G. GRCh37 (hg19) VCF-style: chr6-152638093-T-G.
Other names: c.16388A>C, p.Glu5463Ala (NM_033071.5); short protein forms E5463A, E5534A.
Identifiers: ClinVar variation 1059836 (VCV001059836.7), dbSNP rs1313738847, ClinGen allele CA366110632.